The following is an entry in ClinVar:

ClinVar aggregate classification (germline): Pathogenic (1 of 4 stars; one submission).

Submission:

Labcorp Genetics (formerly Invitae), Labcorp
Classification: Pathogenic. Last evaluated: 2025-09-25. Review status: criteria provided, single submitter. Criteria: Invitae Variant Classification Sherloc (09022015). Collection method: clinical testing. Allele origin: germline.
Comment: This sequence change creates a premature translational stop signal (p.Lys814Glnfs*76) in the SLC4A1 gene. While this is not anticipated to result in nonsense mediated decay, it is expected to disrupt the last 98 amino acid(s) of the SLC4A1 protein. This variant is not present in population databases (gnomAD no frequency). This variant has not been reported in the literature in individuals affected with SLC4A1-related conditions. This variant disrupts a region of the SLC4A1 protein in which other variant(s) (p.Arg870Trp) have been determined to be pathogenic (PMID: 7530501, 23255290). This suggests that this is a clinically significant region of the protein, and that variants that disrupt it are likely to be disease-causing. For these reasons, this variant has been classified as Pathogenic.

Literature cited by the submitters: PubMed 7530501; PubMed 23255290.

NM_000342.4(SLC4A1):c.2438dup (p.Lys814fs)

Gene: SLC4A1 (solute carrier family 4 member 1 (Diego blood group); minus strand). Cytogenetic location: 17q21.31.
Variant type: Duplication.
Coding change: c.2438dup on transcript NM_000342.4 (MANE Select); coding-DNA position 2438, one base duplicated (T; older notation c.2438dupT).
Protein change: p.Lys814fs; shifts the reading frame from lysine 814.
Molecular consequence: frameshift variant.
Genome position (GRCh38, 1-based): chr17:44,251,462, A duplicated on the plus strand (T on the coding strand, the reverse complement: SLC4A1 is on the minus strand); the first of 2 consecutive A bases (chr17:44,251,462-44,251,463); duplicating either gives the same sequence. VCF-style (leftmost placement, unchanged base first): chr17-44251461-G-GA. GRCh37 (hg19) VCF-style: chr17-42328829-G-GA.
Other names: short protein forms K814fs.
Identifiers: ClinVar variation 4727865 (VCV004727865.1).